The following is an entry in ClinVar:

NM_020911.2(PLXNA4):c.111G>A (p.Gln37=)

Gene: PLXNA4 (plexin A4; minus strand). Cytogenetic location: 7q32.3.
Variant type: single nucleotide variant.
Coding change: c.111G>A on transcript NM_020911.2 (MANE Select); coding-DNA position 111, G replaced by A.
Protein change: p.Gln37=; no amino-acid change (glutamine 37 retained).
Molecular consequence: synonymous variant.
Genome position (GRCh38, 1-based): chr7:132,508,583, C>T on the plus strand (G>A on the coding strand, the complement: PLXNA4 is on the minus strand). VCF-style: chr7-132508583-C-T. GRCh37 (hg19) VCF-style: chr7-132193342-C-T.
Other names: c.111G>A, p.Gln37= (NM_001105543.2, NM_001393897.1, NM_181775.4).
Identifiers: ClinVar variation 3346159 (VCV003346159.1).

ClinVar aggregate classification (germline): Likely benign (0 of 4 stars; one submission).

Conditions:
PLXNA4-related disorder. Also called: PLXNA4-related condition.

gnomAD v4.1: 1 of 1,614,102 alleles (0.000062%); highest among the groups gnomAD compares: African/African-American, 0.0013%; no homozygotes.

Submission:

PreventionGenetics, part of Exact Sciences
Classification: Likely benign for PLXNA4-related condition. Last evaluated: 2024-05-17. Review status: no assertion criteria provided. Collection method: clinical testing. Allele origin: germline.
Comment: This variant is classified as likely benign based on ACMG/AMP sequence variant interpretation guidelines (Richards et al. 2015 PMID: 25741868, with internal and published modifications).